The following is an entry in ClinVar:

NM_004787.4(SLIT2):c.1930A>G (p.Thr644Ala)

Gene: SLIT2 (slit guidance ligand 2; plus strand). Cytogenetic location: 4p15.31.
Variant type: single nucleotide variant.
Coding change: c.1930A>G on transcript NM_004787.4 (MANE Select); coding-DNA position 1930, A replaced by G.
Protein change: p.Thr644Ala; replaces threonine 644 with alanine.
Molecular consequence: missense variant.
Genome position (GRCh38, 1-based): chr4:20,539,538, A>G. VCF-style: chr4-20539538-A-G. GRCh37 (hg19) VCF-style: chr4-20541161-A-G.
Other names: c.1918A>G, p.Thr640Ala (NM_001289135.3); c.1906A>G, p.Thr636Ala (NM_001289136.3); short protein forms T636A, T640A, T644A.
Identifiers: ClinVar variation 4686233 (VCV004686233.1).

ClinVar aggregate classification (germline): Uncertain significance (1 of 4 stars; one submission).

Submission:

GeneDx
Classification: Uncertain significance. Last evaluated: 2025-07-15. Review status: criteria provided, single submitter. Criteria: GeneDx Variant Classification Process June 2021. Collection method: clinical testing. Allele origin: germline. Affected: yes.
Comment: Not observed at significant frequency in large population cohorts (gnomAD); In silico analysis supports that this missense variant has a deleterious effect on protein structure/function; Has not been previously published as pathogenic or benign to our knowledge